The following is an entry in ClinVar:

ClinVar aggregate classification (germline): Benign. Review status: criteria provided, multiple submitters, no conflicts (2 of 4 stars). 3 submissions from 3 submitters: Benign (3). Last evaluated 2021-06-19.

Conditions:
Thyroid dyshormonogenesis 1. Also called: HYPOTHYROIDISM, CONGENITAL, DUE TO DYSHORMONOGENESIS, 1; IODINE ACCUMULATION, TRANSPORT, OR TRAPPING DEFECT; THYROID HORMONOGENESIS, GENETIC DEFECT IN, 1; Familial thyroid dyshormonogenesis 1. Identifiers: Orphanet 95716, MedGen C1848805, MONDO:0020716, OMIM 274400.

Allele frequency attached by ClinVar (database versions not stated): 1000 Genomes Project 0.15196; 1000 Genomes Project 30x 0.15412; TOPMed 0.21592; gnomAD 0.22128 and 0.22674.

Submissions (3):

GeneDx
Classification: Benign. Last evaluated: 2021-06-19. Review status: criteria provided, single submitter. Criteria: GeneDx Variant Classification Process June 2021. Collection method: clinical testing. Allele origin: germline. Affected: yes.

Illumina Laboratory Services, Illumina
Classification: Benign for Thyroid dyshormonogenesis 1. Last evaluated: 2018-01-13. Review status: criteria provided, single submitter. Criteria: ICSL Variant Classification Criteria 13 December 2019. Collection method: clinical testing. Allele origin: germline.
Comment: This variant was observed in the ICSL laboratory as part of a predisposition screen in an ostensibly healthy population. It had not been previously curated by ICSL or reported in the Human Gene Mutation Database (HGMD: prior to June 1st, 2018), and was therefore a candidate for classification through an automated scoring system. Utilizing variant allele frequency, disease prevalence and penetrance estimates, and inheritance mode, an automated score was calculated to assess if this variant is too frequent to cause the disease. Based on the score and internal cut-off values, a variant classified as benign is not then subjected to further curation. The score for this variant resulted in a classification of benign for this disease.

Breakthrough Genomics
Classification: Benign. Review status: criteria provided, single submitter. Criteria: ACMG Guidelines, 2015. Collection method: not provided. Allele origin: germline. Inheritance: Autosomal recessive inheritance. Affected: yes.

NM_000453.3(SLC5A5):c.*226T>C

Gene: SLC5A5 (solute carrier family 5 member 5; plus strand). Cytogenetic location: 19p13.11.
Variant type: single nucleotide variant.
Coding change: c.*226T>C on transcript NM_000453.3 (MANE Select); 226 bases downstream of the stop codon, T replaced by C.
Molecular consequence: 3 prime UTR variant.
Genome position (GRCh38, 1-based): chr19:17,894,103, T>C. VCF-style: chr19-17894103-T-C. GRCh37 (hg19) VCF-style: chr19-18004912-T-C.
Identifiers: ClinVar variation 328548 (VCV000328548.7), dbSNP rs12327843, ClinGen allele CA10652326.
Genomic context (GRCh38, chr19:17,894,103, plus strand): 5'-GGTCATTTTTTAAATCCAGCCCCTTGCTTCAACCGTCCCCAGTATTAGACGCTGCAGCCC[T>C]GACGGCTCCCCCCAAATAAGGCTGGGTTTTTCTCTCTCTCTTTTTTTTTTTTTTTTTTTT-3'